The following is an entry in ClinVar:

ClinVar aggregate classification (germline): Conflicting classifications of pathogenicity. Review status: criteria provided, conflicting classifications (1 of 4 stars). 3 submissions from 3 submitters: Uncertain significance (2); Likely benign (1). Last evaluated 2025-09-01.

Conditions:
Inborn genetic diseases. Identifiers: MedGen C0950123, MeSH D030342.

Allele frequency attached by ClinVar (database versions not stated): ESP Exome Variant Server 0.00008; TOPMed 0.00008; gnomAD 0.00009; gnomAD exomes 0.00011 and 0.00013; ExAC 0.00017.
gnomAD v4.1: 174 of 1,605,388 alleles (0.011%); highest among the groups gnomAD compares: Admixed American, 0.014%; no homozygotes.

Submissions (3):

Labcorp Genetics (formerly Invitae), Labcorp
Classification: Uncertain significance. Last evaluated: 2025-09-01. Review status: criteria provided, single submitter. Criteria: Invitae Variant Classification Sherloc (09022015). Collection method: clinical testing. Allele origin: germline.
Comment: This sequence change replaces phenylalanine, which is neutral and non-polar, with isoleucine, which is neutral and non-polar, at codon 471 of the DDX58 protein (p.Phe471Ile). This variant is present in population databases (rs200852601, gnomAD 0.02%). This variant has not been reported in the literature in individuals affected with DDX58-related conditions. ClinVar contains an entry for this variant (Variation ID: 1426593). Invitae Evidence Modeling of protein sequence and biophysical properties (such as structural, functional, and spatial information, amino acid conservation, physicochemical variation, residue mobility, and thermodynamic stability) indicates that this missense variant is expected to disrupt DDX58 protein function with a positive predictive value of 80%. In summary, the available evidence is currently insufficient to determine the role of this variant in disease. Therefore, it has been classified as a Variant of Uncertain Significance.

Ambry Genetics
Classification: Uncertain significance for Inborn genetic diseases. Last evaluated: 2024-08-01. Review status: criteria provided, single submitter. Criteria: Ambry Variant Classification Scheme 2023. Collection method: clinical testing. Allele origin: germline.

Blueprint Genetics
Classification: Likely benign. Last evaluated: 2023-05-03. Review status: criteria provided, single submitter. Criteria: ACMG Guidelines, 2015. Collection method: clinical testing. Allele origin: germline.

NM_014314.4(RIGI):c.1411T>A (p.Phe471Ile)

Gene: RIGI (RNA sensor RIG-I; minus strand). Cytogenetic location: 9p21.1.
Variant type: single nucleotide variant.
Coding change: c.1411T>A on transcript NM_014314.4 (MANE Select); coding-DNA position 1411, T replaced by A.
Protein change: p.Phe471Ile; replaces phenylalanine 471 with isoleucine.
Molecular consequence: missense variant.
Genome position (GRCh38, 1-based): chr9:32,485,244, A>T on the plus strand (T>A on the coding strand, the complement: RIGI is on the minus strand). VCF-style: chr9-32485244-A-T. GRCh37 (hg19) VCF-style: chr9-32485242-A-T.
Other names: c.1405T>A, p.Phe469Ile (NM_001385907.1); c.1411T>A, p.Phe471Ile (NM_001385909.1); c.970T>A, p.Phe324Ile (NM_001385910.1); c.802T>A, p.Phe268Ile (NM_001385912.1); c.1396T>A, p.Phe466Ile (NM_001385913.1); c.967T>A, p.Phe323Ile (NM_001385914.1); c.1411T>A (NM_014314.3); short protein forms F268I, F466I, F471I, F324I, F323I, F469I.
Identifiers: ClinVar variation 1426593 (VCV001426593.8), dbSNP rs200852601, ClinGen allele CA5019806.
Genomic context (GRCh38, chr9:32,485,244, plus strand): 5'-TGCAGATTCTCTTTGCCAGACTCTCTGTGTCCCTCATCAGCTGAGCTATGATGTATTTAA[A>T]TTTGTCGCTAATCCGTGATTCCACTTTCCTGAAAACTAGAGACGTCAAAAAAAAAAGAAA-3'
Protein context (NP_055129.2, residues 461-481): RKVESRISDK[Phe471Ile]KYIIAQLMRD